The following is an entry in ClinVar:

ClinVar aggregate classification (germline): Uncertain significance. Review status: criteria provided, multiple submitters, no conflicts (2 of 4 stars). 2 submissions from 2 submitters: Uncertain significance (2). Last evaluated 2023-03-15.

Conditions:
Hereditary breast ovarian cancer syndrome. Also called: Breast and ovarian cancer; Hereditary breast and/or ovarian cancer syndrome; BRCA1- and BRCA2-Associated Hereditary Breast and Ovarian Cancer; Hereditary breast and ovarian cancer syndrome; Hereditary breast and ovarian cancer syndrome (HBOC); Hereditary breast and ovarian cancer. Identifiers: Orphanet 145, MedGen C0677776, MeSH D061325, MONDO:0003582. Disease mechanism: loss of function.

Submissions (3):

Labcorp Genetics (formerly Invitae), Labcorp
Classification: Uncertain significance for Hereditary breast ovarian cancer syndrome. Last evaluated: 2023-03-15. Review status: criteria provided, single submitter. Criteria: Invitae Variant Classification Sherloc (09022015). Collection method: clinical testing. Allele origin: germline.
Comment: Algorithms developed to predict the effect of sequence changes on RNA splicing suggest that this variant may disrupt the consensus splice site. In summary, the available evidence is currently insufficient to determine the role of this variant in disease. Therefore, it has been classified as a Variant of Uncertain Significance. Experimental studies are conflicting or provide insufficient evidence to determine the effect of this variant on BRCA1 function (PMID: 30209399). ClinVar contains an entry for this variant (Variation ID: 496387). This variant has not been reported in the literature in individuals affected with BRCA1-related conditions. This variant is not present in population databases (gnomAD no frequency). This sequence change falls in intron 15 of the BRCA1 gene. It does not directly change the encoded amino acid sequence of the BRCA1 protein.

Women's Health and Genetics/Laboratory Corporation of America, LabCorp
Classification: Uncertain significance. Last evaluated: 2016-05-03. Review status: criteria provided, single submitter. Criteria: LabCorp Variant Classification Summary - May 2015. Collection method: clinical testing. Allele origin: germline.
Comment: Variant summary: The BRCA1 c.4987-10T>G variant affects a conserved intronic nucleotide. Mutation taster predicts damaging outcome for this variant along with 3/5 in silico tools via Alamut predicting the variant to have an impact on normal splicing. This variant is not found in 120574 control chromosomes. The variant of interest has not, to our knowledge, been reported in affected individuals via publications and/or reputable databases/clinical laboratories; nor evaluated for functional impact by in vivo/vitro studies. Because of the absence of clinical information and the lack of functional studies, the variant was classified as a variant of uncertain significance (VUS) until additional information becomes available.

Brotman Baty Institute, University of Washington
No classification provided (evidence only). Condition: Breast-ovarian cancer, familial 1. Review status: no classification provided. Collection method: in vitro. Allele origin: not applicable. Functional consequence: function_uncertain_variant. Not counted in ClinVar's aggregate classification.
ClinVar note: "not provided" was previously submitted as the classification for the variant. However, the classification appeared to be based only on an observation of functional data so it was converted to no classification on 2025-07-30.

Literature cited by the submitters: PubMed 30209399 (cited by Labcorp Genetics (formerly Invitae), Labcorp).

NM_007294.4(BRCA1):c.4987-10T>G

Gene: BRCA1 (BRCA1 DNA repair associated; minus strand). Cytogenetic location: 17q21.31.
Variant type: single nucleotide variant.
Coding change: c.4987-10T>G on transcript NM_007294.4 (MANE Select); 10 bases into the intron before coding-DNA position 4987, T replaced by G.
Molecular consequence: intron variant.
Genome position (GRCh38, 1-based): chr17:43,067,705, A>C on the plus strand (T>G on the coding strand, the complement: BRCA1 is on the minus strand). VCF-style: chr17-43067705-A-C. GRCh37 (hg19) VCF-style: chr17-41219722-A-C.
Other names: c.4909-10T>G (NM_001407654.1, NM_001407653.1, NM_001407655.1); c.1336-10T>G (NM_001408509.1); c.1339-10T>G (NM_001408508.1); c.1465-10T>G (NM_001408491.1, NM_001408481.1, NM_001408490.1 and 5 more transcripts); c.4771-10T>G (NM_001407918.1, NM_001407915.1, NM_001407916.1 and 1 more transcripts); c.4774-10T>G (NM_001407894.1, NM_001407909.1, NM_001407906.1 and 12 more transcripts); c.4648-10T>G (NM_001407957.1, NM_001407958.1, NM_001407956.1); c.4651-10T>G (NM_001407953.1, NM_001407955.1, NM_001407951.1 and 3 more transcripts); and 71 more.
Identifiers: ClinVar variation 496387 (VCV000496387.7), dbSNP rs1555579828, ClinGen allele CA658684110.